The following is an entry in ClinVar:

ClinVar aggregate classification (germline): Pathogenic (1 of 4 stars; one submission).

Allele frequency attached by ClinVar (database versions not stated): gnomAD exomes 0.00001; gnomAD 0.00002; TOPMed 0.00002; ExAC 0.00003.
gnomAD v4.1: 17 of 1,335,658 alleles (0.0013%); highest among the groups gnomAD compares: Non-Finnish European, 0.0016%; no homozygotes.

Submission:

Labcorp Genetics (formerly Invitae), Labcorp
Classification: Pathogenic. Last evaluated: 2024-07-13. Review status: criteria provided, single submitter. Criteria: Invitae Variant Classification Sherloc (09022015). Collection method: clinical testing. Allele origin: germline.
Comment: This sequence change affects a donor splice site in intron 18 of the ERCC6L2 gene. While this variant is not anticipated to result in nonsense mediated decay, it likely alters RNA splicing and results in a disrupted protein product. The frequency data for this variant in the population databases is considered unreliable, as metrics indicate poor data quality at this position in the gnomAD database. This variant has not been reported in the literature in individuals affected with ERCC6L2-related conditions. ClinVar contains an entry for this variant (Variation ID: 1349834). Variants that disrupt the consensus splice site are a relatively common cause of aberrant splicing (PMID: 17576681, 9536098). Algorithms developed to predict the effect of sequence changes on RNA splicing suggest that this variant may disrupt the consensus splice site. This variant disrupts a region of the ERCC6L2 protein in which other variant(s) (p.Arg1266*) have been determined to be pathogenic (PMID: 29146883, 29987015). This suggests that this is a clinically significant region of the protein, and that variants that disrupt it are likely to be disease-causing. For these reasons, this variant has been classified as Pathogenic.

Literature cited by the submitters: PubMed 17576681; PubMed 9536098; PubMed 29146883; PubMed 29987015.

NM_020207.7(ERCC6L2):c.3674+1G>A

Gene: ERCC6L2 (ERCC excision repair 6 like 2; plus strand). Cytogenetic location: 9q22.32.
Variant type: single nucleotide variant.
Coding change: c.3674+1G>A on transcript NM_020207.7 (MANE Select); the canonical splice donor site of the intron after coding-DNA position 3674, G replaced by A.
Molecular consequence: splice donor variant.
Genome position (GRCh38, 1-based): chr9:96,004,702, G>A. VCF-style: chr9-96004702-G-A. GRCh37 (hg19) VCF-style: chr9-98766984-G-A.
Other names: c.3674+1G>A (NM_001375291.1, NM_001375292.1).
Identifiers: ClinVar variation 1349834 (VCV001349834.6), dbSNP rs768066139, ClinGen allele CA5139969.